The following is an entry in ClinVar:

ClinVar aggregate classification (germline): Pathogenic (1 of 4 stars; one submission).

Conditions:
Autosomal dominant intellectual disability-craniofacial anomalies-cardiac defects syndrome (ARTHS). Also called: KAT6A syndrome; Mental retardation, autosomal dominant 32; Arboleda-Tham syndrome. Identifiers: Orphanet 457193, MedGen C4225396, MONDO:0014558, OMIM 616268.

Submission:

Victorian Clinical Genetics Services, Murdoch Childrens Research Institute
Classification: Pathogenic for Autosomal dominant intellectual disability-craniofacial anomalies-cardiac defects syndrome. Last evaluated: 2015-11-30. Review status: criteria provided, single submitter. Criteria: ACMG Guidelines, 2015. Collection method: clinical testing. Allele origin: de novo. Inheritance: Autosomal dominant inheritance. Affected: yes. Observed: 1 variant allele.
Comment: This deletion of four nucleotides results in frameshift and premature truncation of the protein 12 residues downstream, NP_006757.2(KAT6A): p.(Glu1419Trpfs*12). This is a novel mutation, not present in disease or population databases.

Literature cited by the submitters: PubMed 26938784.

NM_006766.5(KAT6A):c.4254_4257del (p.Glu1419fs)

Gene: KAT6A (lysine acetyltransferase 6A; minus strand). Cytogenetic location: 8p11.21.
Variant type: Deletion.
Coding change: c.4254_4257del on transcript NM_006766.5 (MANE Select); coding-DNA positions 4254 to 4257, 4 bases deleted (TGAG; older notation c.4254_4257delTGAG).
Protein change: p.Glu1419fs; shifts the reading frame from glutamic acid 1419.
Molecular consequence: frameshift variant.
Genome position (GRCh38, 1-based): chr8:41,933,963-41,933,966, CTCA deleted on the plus strand (TGAG on the coding strand, the reverse complement: KAT6A is on the minus strand); deleting any 4 consecutive bases within chr8:41,933,963-41,933,968 gives the same sequence; the c. name uses the placement nearest the transcript's 3' end. VCF-style (leftmost placement, unchanged base first): chr8-41933962-GCTCA-G. GRCh37 (hg19) VCF-style: chr8-41791480-GCTCA-G.
Other names: short protein forms E1419fs.
Identifiers: ClinVar variation 369686 (VCV000369686.3), dbSNP rs1057516049, ClinGen allele CA10654760.
Genomic context (GRCh38, chr8:41,933,962, plus strand): 5'-CATGCTCACTGCTTTCTTCTTGAGTCAAAGACTGCACTGCCTGTACAGTTTCCAGATCCA[GCTCA>G]CTATGAGGAATCTCTTCCTCCTCTTTTAATTCGATTAACTCTTCCTTAGTGTGGGAGTCT-3'